The following is an entry in ClinVar:

ClinVar aggregate classification (germline): Likely benign. Review status: criteria provided, single submitter (1 of 4 stars). 2 submissions from 2 submitters: Likely benign (1). 1 of the submissions does not count toward it. Last evaluated 2024-11-05.

Conditions:
FLG2-related disorder. Also called: FLG2-related condition.

Allele frequency attached by ClinVar (database versions not stated): TOPMed 0.00019; gnomAD 0.00025; gnomAD exomes 0.00029; ESP Exome Variant Server 0.00031; ExAC 0.00035; 1000 Genomes Project 30x 0.00047; 1000 Genomes Project 0.00060.
gnomAD v4.1: 455 of 1,614,064 alleles (0.028%); highest among the groups gnomAD compares: Non-Finnish European, 0.037%; 1 homozygote.

Submissions (2):

Blueprint Genetics
Classification: Likely benign. Last evaluated: 2024-11-05. Review status: criteria provided, single submitter. Criteria: ACMG Guidelines, 2015. Collection method: clinical testing. Allele origin: germline.

PreventionGenetics, part of Exact Sciences
Classification: Likely benign for FLG2-related condition. Last evaluated: 2019-02-21. Review status: no assertion criteria provided. Collection method: clinical testing. Allele origin: germline. Not counted in ClinVar's aggregate classification.
Comment: This variant is classified as likely benign based on ACMG/AMP sequence variant interpretation guidelines (Richards et al. 2015 PMID: 25741868, with internal and published modifications).

NM_001014342.3(FLG2):c.72G>A (p.Glu24=)

Genes: CCDST (cervical cancer associated DHX9 suppressive transcript; plus strand), FLG2 (filaggrin 2; minus strand). Cytogenetic location: 1q21.3.
Variant type: single nucleotide variant.
Coding change: c.72G>A on transcript NM_001014342.3 (MANE Select); coding-DNA position 72, G replaced by A.
Protein change: p.Glu24=; no amino-acid change (glutamic acid 24 retained).
Molecular consequence: synonymous variant.
Genome position (GRCh38, 1-based): chr1:152,358,813, C>T on the plus strand (G>A on the coding strand, the complement: FLG2 is on the minus strand). VCF-style: chr1-152358813-C-T. GRCh37 (hg19) VCF-style: chr1-152331289-C-T.
Identifiers: ClinVar variation 3050935 (VCV003050935.3), dbSNP rs139344711, ClinGen allele CA1109596.